The following is an entry in ClinVar:

NM_000492.4(CFTR):c.4390A>C (p.Ile1464Leu)

Genes: CFTR (CF transmembrane conductance regulator; plus strand), LOC111674477 (CFTR intron 23 enhancer; plus strand). Cytogenetic location: 7q31.2.
Variant type: single nucleotide variant.
Coding change: c.4390A>C on transcript NM_000492.4 (MANE Select); coding-DNA position 4390, A replaced by C.
Protein change: p.Ile1464Leu; replaces isoleucine 1464 with leucine.
Molecular consequence: missense variant.
Genome position (GRCh38, 1-based): chr7:117,667,055, A>C. VCF-style: chr7-117667055-A-C. GRCh37 (hg19) VCF-style: chr7-117307109-A-C.
Other names: short protein forms I1464L.
Identifiers: ClinVar variation 3832550 (VCV003832550.1).

ClinVar aggregate classification (germline): Uncertain significance (1 of 4 stars; one submission).

Conditions:
Cystic fibrosis (CF). Also called: MUCOVISCIDOSIS. Identifiers: Orphanet 586, MedGen C0010674, MONDO:0009061, OMIM 219700. Disease mechanism: loss of function.

Submission:

Ambry Genetics
Classification: Uncertain significance for Cystic fibrosis. Last evaluated: 2024-12-12. Review status: criteria provided, single submitter. Criteria: Ambry Variant Classification Scheme 2023. Collection method: clinical testing. Allele origin: germline.
Comment: The p.I1464L variant (also known as c.4390A>C), located in coding exon 27 of the CFTR gene, results from an A to C substitution at nucleotide position 4390. The isoleucine at codon 1464 is replaced by leucine, an amino acid with highly similar properties. This amino acid position is conserved. In addition, the in silico prediction for this alteration is inconclusive. Based on the available evidence, the clinical significance of this variant remains unclear.